The following is an entry in ClinVar:

NM_017654.4(SAMD9):c.3214C>T (p.Leu1072Phe)

Gene: SAMD9 (sterile alpha motif domain containing 9; minus strand). Cytogenetic location: 7q21.2.
Variant type: single nucleotide variant.
Coding change: c.3214C>T on transcript NM_017654.4 (MANE Select); coding-DNA position 3214, C replaced by T.
Protein change: p.Leu1072Phe; replaces leucine 1072 with phenylalanine.
Molecular consequence: missense variant.
Genome position (GRCh38, 1-based): chr7:93,102,884, G>A on the plus strand (C>T on the coding strand, the complement: SAMD9 is on the minus strand). VCF-style: chr7-93102884-G-A. GRCh37 (hg19) VCF-style: chr7-92732197-G-A.
Other names: c.3214C>T, p.Leu1072Phe (NM_001193307.2); short protein forms L1072F.
Identifiers: ClinVar variation 1467633 (VCV001467633.6), dbSNP rs2116415515, ClinGen allele CA368188527.

ClinVar aggregate classification (germline): Uncertain significance (1 of 4 stars; one submission).

Submission:

Labcorp Genetics (formerly Invitae), Labcorp
Classification: Uncertain significance. Last evaluated: 2021-10-28. Review status: criteria provided, single submitter. Criteria: Invitae Variant Classification Sherloc (09022015). Collection method: clinical testing. Allele origin: germline.
Comment: This sequence change replaces leucine, which is neutral and non-polar, with phenylalanine, which is neutral and non-polar, at codon 1072 of the SAMD9 protein (p.Leu1072Phe). In summary, the available evidence is currently insufficient to determine the role of this variant in disease. Therefore, it has been classified as a Variant of Uncertain Significance. Algorithms developed to predict the effect of missense changes on protein structure and function (SIFT, PolyPhen-2, Align-GVGD) all suggest that this variant is likely to be tolerated. This variant has not been reported in the literature in individuals affected with SAMD9-related conditions. This variant is not present in population databases (gnomAD no frequency).